The following is an entry in ClinVar:

NM_000264.5(PTCH1):c.1503+12G>A

Gene: PTCH1 (patched 1; minus strand). Cytogenetic location: 9q22.32.
Variant type: single nucleotide variant.
Coding change: c.1503+12G>A on transcript NM_000264.5 (MANE Select); 12 bases into the intron after coding-DNA position 1503, G replaced by A.
Molecular consequence: intron variant.
Genome position (GRCh38, 1-based): chr9:95,477,535, C>T on the plus strand (G>A on the coding strand, the complement: PTCH1 is on the minus strand). VCF-style: chr9-95477535-C-T. GRCh37 (hg19) VCF-style: chr9-98239817-C-T.
Other names: c.1500+12G>A (NM_001083603.3); c.1305+12G>A (NM_001083602.3); c.1347+520G>A (NM_001354918.2); c.1050+12G>A (NM_001083605.3, NM_001083604.3, NM_001083606.3 and 1 more transcripts).
Identifiers: ClinVar variation 367672 (VCV000367672.12), dbSNP rs368083214, ClinGen allele CA5138647.

ClinVar aggregate classification (germline): Benign/Likely benign. Review status: criteria provided, multiple submitters, no conflicts (2 of 4 stars). 3 submissions from 2 submitters: Benign (2); Likely benign (1). Last evaluated 2026-01-10.

Conditions:
Gorlin syndrome. Also called: Basal cell nevus syndrome; Nevoid Basal Cell Carcinoma Syndrome. Identifiers: Orphanet 377, MedGen C0004779, MONDO:0007187.
Holoprosencephaly 7 (HPE7). Identifiers: Orphanet 2162, MedGen C1835820, MONDO:0012562, OMIM 610828.

Allele frequency attached by ClinVar (database versions not stated): gnomAD exomes 0.00005 and 0.00016; 1000 Genomes Project 0.00020; ExAC 0.00021; 1000 Genomes Project 30x 0.00031; gnomAD 0.00049 and 0.00056; TOPMed 0.00052; ESP Exome Variant Server 0.00062.
gnomAD v4.1: 156 of 1,614,158 alleles (0.0097%); highest among the groups gnomAD compares: African/African-American, 0.16%; no homozygotes.

Submissions (3):

Labcorp Genetics (formerly Invitae), Labcorp
Classification: Benign for Gorlin syndrome. Last evaluated: 2026-01-10. Review status: criteria provided, single submitter. Criteria: Invitae Variant Classification Sherloc (09022015). Collection method: clinical testing. Allele origin: germline.

Illumina Laboratory Services, Illumina
Classification: Benign for Basal cell nevus syndrome 1. Last evaluated: 2018-01-12. Review status: criteria provided, single submitter. Criteria: ICSL Variant Classification Criteria 13 December 2019. Collection method: clinical testing. Allele origin: germline.
Comment: This variant was observed in the ICSL laboratory as part of a predisposition screen in an ostensibly healthy population. It had not been previously curated by ICSL or reported in the Human Gene Mutation Database (HGMD: prior to June 1st, 2018), and was therefore a candidate for classification through an automated scoring system. Utilizing variant allele frequency, disease prevalence and penetrance estimates, and inheritance mode, an automated score was calculated to assess if this variant is too frequent to cause the disease. Based on the score and internal cut-off values, a variant classified as benign is not then subjected to further curation. The score for this variant resulted in a classification of benign for this disease.

Illumina Laboratory Services, Illumina
Classification: Likely benign for Holoprosencephaly 7. Last evaluated: 2018-01-12. Review status: criteria provided, single submitter. Criteria: ICSL Variant Classification Criteria 13 December 2019. Collection method: clinical testing. Allele origin: germline.
Comment: This variant was observed in the ICSL laboratory as part of a predisposition screen in an ostensibly healthy population. It had not been previously curated by ICSL or reported in the Human Gene Mutation Database (HGMD: prior to June 1st, 2018), and was therefore a candidate for classification through an automated scoring system. Utilizing variant allele frequency, disease prevalence and penetrance estimates, and inheritance mode, an automated score was calculated to assess if this variant is too frequent to cause the disease. Based on the score and internal cut-off values, a variant classified as likely benign is not then subjected to further curation. The score for this variant resulted in a classification of likely benign for this disease.